The following is an entry in ClinVar:

ClinVar aggregate classification (germline): Likely benign (1 of 4 stars; one submission).

Submission:

CeGaT Center for Human Genetics Tuebingen
Classification: Likely benign. Last evaluated: 2022-03-01. Review status: criteria provided, single submitter. Criteria: CeGaT Center For Human Genetics Tuebingen Variant Classification Criteria Version 2. Collection method: clinical testing. Allele origin: germline. Affected: yes. Observed: 1 variant allele.
Comment: ZNF716: BP4, BP7

NM_001159279.1(ZNF716):c.804T>G (p.Pro268=)

Gene: ZNF716 (zinc finger protein 716; plus strand). Cytogenetic location: 7p11.2.
Variant type: single nucleotide variant.
Coding change: c.804T>G on transcript NM_001159279.1 (MANE Select); coding-DNA position 804, T replaced by G.
Protein change: p.Pro268=; no amino-acid change (proline 268 retained).
Molecular consequence: synonymous variant.
Genome position (GRCh38, 1-based): chr7:57,469,265, T>G. VCF-style: chr7-57469265-T-G. GRCh37 (hg19) VCF-style: chr7-57528971-T-G.
Identifiers: ClinVar variation 2657520 (VCV002657520.24), dbSNP rs1789873397, ClinGen allele CA455674467.